The following is an entry in ClinVar:

ClinVar aggregate classification (germline): Uncertain significance (1 of 4 stars; one submission).

Submission:

Women's Health and Genetics/Laboratory Corporation of America, LabCorp
Classification: Uncertain significance. Last evaluated: 2023-08-11. Review status: criteria provided, single submitter. Criteria: LabCorp Variant Classification Summary - May 2015. Collection method: clinical testing. Allele origin: germline.
Comment: Variant summary: IDUA c.1650G>A (p.Gln550Gln) alters a conserved nucleotide located close to a canonical splice site and therefore could affect mRNA splicing, leading to a significantly altered protein sequence. 3/4 computational tools predict no significant impact on normal splicing, and 1/4 predict the variant weakens the canonical 5' splice donor site while strengthening a cryptic 5' splice donor site 4nt upstream into exon 11. However, these predictions have yet to be confirmed by functional studies. The variant was absent in 184382 control chromosomes (gnomAD). The available data on variant occurrences in the general population are insufficient to allow any conclusion about variant significance. c.1650G>A has been reported in the literature in at least one compound heterozygous individual affected with Mucopolysaccharidosis Type 1 (Kobayashi_2018). These data do not allow any conclusion about variant significance. To our knowledge, no experimental evidence demonstrating an impact on protein function has been reported. The following publication has been ascertained in the context of this evaluation (PMID: 29705972). No submitters have cited clinical-significance assessments for this variant to ClinVar after 2014. Based on the evidence outlined above, the variant was classified as uncertain significance.

Literature cited by the submitters: PubMed 29705972.

NM_000203.5(IDUA):c.1650G>A (p.Gln550=)

Gene: IDUA (alpha-L-iduronidase; plus strand). Cytogenetic location: 4p16.3.
Variant type: single nucleotide variant.
Coding change: c.1650G>A on transcript NM_000203.5 (MANE Select); coding-DNA position 1650, G replaced by A.
Protein change: p.Gln550=; no amino-acid change (glutamine 550 retained).
Molecular consequence: synonymous variant. On other transcripts: non-coding transcript variant (1).
Genome position (GRCh38, 1-based): chr4:1,003,470, G>A. VCF-style: chr4-1003470-G-A. GRCh37 (hg19) VCF-style: chr4-997258-G-A.
Other names: c.1254G>A, p.Gln418= (NM_001363576.1).
Identifiers: ClinVar variation 2581651 (VCV002581651.1), dbSNP rs1715247320, ClinGen allele CA438057992.
Genomic context (GRCh38, chr4:1,003,470, plus strand): 5'-GCGGCTGCCGTCGCTTTTGCTGGTGCACGTGTGTGCGCGCCCCGAGAAGCCGCCCGGGCA[G>A]GCAAGTGGCAGTCCCCTAACCCGCGCCGCGGCCCGGACTCCCCTTCCCCGACGCCATCAC-3'
Protein context (NP_000194.2, residues 540-560): VCARPEKPPG[Gln550=]VTRLRALPLT